The following is an entry in ClinVar:

NM_000552.5(VWF):c.22G>A (p.Gly8Arg)

Gene: VWF (von Willebrand factor; minus strand). Cytogenetic location: 12p13.31.
Variant type: single nucleotide variant.
Coding change: c.22G>A on transcript NM_000552.5 (MANE Select); coding-DNA position 22, G replaced by A.
Protein change: p.Gly8Arg; replaces glycine 8 with arginine.
Molecular consequence: missense variant.
Genome position (GRCh38, 1-based): chr12:6,123,175, C>T on the plus strand (G>A on the coding strand, the complement: VWF is on the minus strand). VCF-style: chr12-6123175-C-T. GRCh37 (hg19) VCF-style: chr12-6232341-C-T.
Other names: short protein forms G8R.
Identifiers: ClinVar variation 1809579 (VCV001809579.3), dbSNP rs201015235, ClinGen allele CA6403990.

ClinVar aggregate classification (germline): Conflicting classifications of pathogenicity. Review status: criteria provided, conflicting classifications (1 of 4 stars). 3 submissions from 3 submitters: Uncertain significance (2); Likely benign (1). Last evaluated 2023-10-31.

Conditions:
von Willebrand disease type 1 (VWD1). Also called: VWD, TYPE 1; VON WILLEBRAND DISEASE, TYPE I. Identifiers: Orphanet 166078, Orphanet 903, MedGen C1264039, MONDO:0008668, OMIM 193400. Inheritance: autosomal recessive or autosomal dominant.

Allele frequency attached by ClinVar (database versions not stated): TOPMed 0.00003; gnomAD 0.00007; ESP Exome Variant Server 0.00015.
gnomAD v4.1: 112 of 1,614,058 alleles (0.0069%); highest among the groups gnomAD compares: African/African-American, 0.0093%; no homozygotes.

Submissions (3):

Johns Hopkins Genomics, Johns Hopkins University
Classification: Uncertain significance for von Willebrand disease type 1. Last evaluated: 2023-10-31. Review status: criteria provided, single submitter. Criteria: ACMG Guidelines, 2015. Collection method: clinical testing. Allele origin: germline.
Comment: This VWF missense variant has not been reported in the literature, to our knowledge. It (rs201015235) is rare (<0.1%) in a large population dataset (gnomAD v3.1.2: 10/152174 total alleles; 0.01%; no homozygotes), and has been reported in ClinVar (Variation ID 1809579). Two bioinformatic tools queried predict that this substitution would be tolerated, but these algorithms have low specificity, especially for predicting gain of function or dominant negative variants. The glycine residue at this position is evolutionarily conserved across very few of the species assessed. We consider the clinical significance of c.22G>A in VWF to be uncertain at this time.

Blueprint Genetics
Classification: Likely benign. Last evaluated: 2021-10-28. Review status: criteria provided, single submitter. Criteria: ACMG Guidelines, 2015. Collection method: clinical testing. Allele origin: germline.

Quest Diagnostics Nichols Institute San Juan Capistrano
Classification: Uncertain significance. Last evaluated: 2021-06-17. Review status: criteria provided, single submitter. Criteria: Quest Diagnostics criteria. Collection method: clinical testing. Allele origin: unknown.

Literature cited by the submitters: PubMed 26215113 (cited by Johns Hopkins Genomics, Johns Hopkins University).